The following is an entry in ClinVar:

ClinVar aggregate classification (germline): Uncertain significance (1 of 4 stars; one submission).

Conditions:
Inborn genetic diseases. Identifiers: MedGen C0950123, MeSH D030342.

Allele frequency attached by ClinVar (database versions not stated): gnomAD 0.00001; TOPMed 0.00001.
gnomAD v4.1: 2 of 1,608,548 alleles (0.00012%); highest among the groups gnomAD compares: African/African-American, 0.0027%; no homozygotes.

Submission:

Ambry Genetics
Classification: Uncertain significance for Inborn genetic diseases. Last evaluated: 2022-08-01. Review status: criteria provided, single submitter. Criteria: Ambry Variant Classification Scheme 2023. Collection method: clinical testing. Allele origin: germline.
Comment: The p.T380I variant (also known as c.1139C>T), located in coding exon 10 of the DST gene, results from a C to T substitution at nucleotide position 1139. The threonine at codon 380 is replaced by isoleucine, an amino acid with similar properties. This amino acid position is not well conserved in available vertebrate species. In addition, the in silico prediction for this alteration is inconclusive. Since supporting evidence is limited at this time, the clinical significance of this alteration remains unclear.

NM_001374736.1(DST):c.1238C>T (p.Thr413Ile)

Gene: DST (dystonin; minus strand). Cytogenetic location: 6p12.1.
Variant type: single nucleotide variant.
Coding change: c.1238C>T on transcript NM_001374736.1 (MANE Select); coding-DNA position 1238, C replaced by T.
Protein change: p.Thr413Ile; replaces threonine 413 with isoleucine.
Molecular consequence: missense variant.
Genome position (GRCh38, 1-based): chr6:56,651,221, G>A on the plus strand (C>T on the coding strand, the complement: DST is on the minus strand). VCF-style: chr6-56651221-G-A. GRCh37 (hg19) VCF-style: chr6-56516019-G-A.
Other names: c.1139C>T, p.Thr380Ile (NM_001144769.5); c.725C>T, p.Thr242Ile (NM_001144770.2); c.1238C>T, p.Thr413Ile (NM_001374722.1); c.605C>T, p.Thr202Ile (NM_001374729.1, NM_001374730.1, NM_001386100.1 and 1 more transcripts); c.1265C>T, p.Thr422Ile (NM_001374734.1); short protein forms T202I, T242I, T380I, T422I, T413I.
Identifiers: ClinVar variation 1730614 (VCV001730614.2), dbSNP rs2098973996, ClinGen allele CA364617058.
Genomic context (GRCh38, chr6:56,651,221, plus strand): 5'-ATTTTTTCTGCTACGTAAAAAGCATGCTCTAAATTTGCAAGGTTGCTTTGAACAGCAACA[G>A]TATTCATATCTATCAGGTCCGGCCTAGGAAAAAATTCACTGTGTTAATTAGGTTTTCTCA-3'
Protein context (NP_001361665.1, residues 403-423): KYRPDLIDMN[Thr413Ile]VAVQSNLANL